The following is an entry in ClinVar:

NM_133433.4(NIPBL):c.6840G>A (p.Gln2280=)

Gene: NIPBL (NIPBL cohesin loading factor; plus strand). Cytogenetic location: 5p13.2.
Variant type: single nucleotide variant.
Coding change: c.6840G>A on transcript NM_133433.4 (MANE Select); coding-DNA position 6840, G replaced by A.
Protein change: p.Gln2280=; no amino-acid change (glutamine 2280 retained).
Molecular consequence: synonymous variant.
Genome position (GRCh38, 1-based): chr5:37,049,187, G>A. VCF-style: chr5-37049187-G-A. GRCh37 (hg19) VCF-style: chr5-37049289-G-A.
Other names: c.6840G>A, p.Gln2280= (NM_015384.5).
Identifiers: ClinVar variation 1934919 (VCV001934919.5), dbSNP rs1403442187, ClinGen allele CA443908042.

ClinVar aggregate classification (germline): Uncertain significance (1 of 4 stars; one submission).

Conditions:
Cornelia de Lange syndrome 1 (CDLS1). Also called: Brachmann de Lange syndrome; TYPUS DEGENERATIVUS AMSTELODAMENSIS; NIPBL-Related Cornelia de Lange Syndrome. Identifiers: Orphanet 199, MedGen C4551851, MONDO:0007387, OMIM 122470.

Allele frequency attached by ClinVar (database versions not stated): gnomAD exomes 0.00001.
gnomAD v4.1: 8 of 1,614,120 alleles (0.0005%); highest among the groups gnomAD compares: Admixed American, 0.0017%; no homozygotes.

Submission:

Labcorp Genetics (formerly Invitae), Labcorp
Classification: Uncertain significance for Cornelia de Lange syndrome 1. Last evaluated: 2022-08-21. Review status: criteria provided, single submitter. Criteria: Invitae Variant Classification Sherloc (09022015). Collection method: clinical testing. Allele origin: germline.
Comment: In summary, the available evidence is currently insufficient to determine the role of this variant in disease. Therefore, it has been classified as a Variant of Uncertain Significance. Algorithms developed to predict the effect of sequence changes on RNA splicing suggest that this variant may create or strengthen a splice site. This variant has not been reported in the literature in individuals affected with NIPBL-related conditions. This variant is present in population databases (no rsID available, gnomAD 0.003%). This sequence change affects codon 2280 of the NIPBL mRNA. It is a 'silent' change, meaning that it does not change the encoded amino acid sequence of the NIPBL protein.